The following is an entry in ClinVar:

NM_000322.5(PRPH2):c.638G>T (p.Cys213Phe)

Gene: PRPH2 (peripherin 2; minus strand). Cytogenetic location: 6p21.1.
Variant type: single nucleotide variant.
Coding change: c.638G>T on transcript NM_000322.5 (MANE Select); coding-DNA position 638, G replaced by T.
Protein change: p.Cys213Phe; replaces cysteine 213 with phenylalanine.
Molecular consequence: missense variant.
Genome position (GRCh38, 1-based): chr6:42,704,555, C>A on the plus strand (G>T on the coding strand, the complement: PRPH2 is on the minus strand). VCF-style: chr6-42704555-C-A. GRCh37 (hg19) VCF-style: chr6-42672293-C-A.
Other names: short protein forms C213F.
Identifiers: ClinVar variation 1175267 (VCV001175267.6), dbSNP rs61755803, ClinGen allele CA364135586.

ClinVar aggregate classification (germline): Pathogenic/Likely pathogenic. Review status: criteria provided, multiple submitters, no conflicts (2 of 4 stars). 3 submissions from 3 submitters: Pathogenic (1); Likely pathogenic (1). 1 of the submissions does not count toward it. Last evaluated 2026-01-01.

Conditions:
PRPH2-related disorder. Also called: PRPH2-related condition; PRPH2-related disorders. Identifiers: MedGen CN239395.

Submissions (3):

CeGaT Center for Human Genetics Tuebingen
Classification: Pathogenic. Last evaluated: 2026-01-01. Review status: criteria provided, single submitter. Criteria: CeGaT Center For Human Genetics Tuebingen Variant Classification Criteria Version 2. Collection method: clinical testing. Allele origin: germline. Affected: yes. Observed: 1 variant allele.
Comment: PRPH2: PP1:Strong, PM1, PM2, PM5, PS4:Moderate

Blueprint Genetics
Classification: Likely pathogenic for PRPH2-related disorders. Last evaluated: 2021-12-16. Review status: criteria provided, single submitter. Criteria: ACMG Guidelines, 2015. Collection method: clinical testing. Allele origin: germline. Affected: yes. Observed: 2 variant alleles.

Leiden Open Variation Database
Classification: Likely pathogenic. Last evaluated: 2021-04-06. Review status: no assertion criteria provided. Collection method: curation. Allele origin: germline. Affected: yes. Not counted in ClinVar's aggregate classification.
Comment: Curator: Global Variome, with Curator vacancy. Submitter to LOVD: Manon Peeters.

Literature cited by the submitters: PubMed 17653047 (cited by Leiden Open Variation Database).